The following is an entry in ClinVar:

NM_000020.3(ACVRL1):c.540_541insA (p.Asp181fs)

Gene: ACVRL1 (activin A receptor like type 1; plus strand). Cytogenetic location: 12q13.13.
Variant type: Insertion.
Coding change: c.540_541insA on transcript NM_000020.3 (MANE Select); coding-DNA positions 540 to 541, A inserted.
Protein change: p.Asp181fs; shifts the reading frame from aspartic acid 181.
Molecular consequence: frameshift variant.
Genome position: GRCh38 VCF-style: chr12-51913988-T-TA. GRCh37 (hg19) VCF-style: chr12-52307772-T-TA.
Other names: p.Asp181Argfs*44; c.540_541insA, p.Asp181fs (NM_001077401.2); short protein forms D181fs.
Identifiers: ClinVar variation 464763 (VCV000464763.20), dbSNP rs1555152774, ClinGen allele CA658656300.

ClinVar aggregate classification (germline): Pathogenic. Review status: criteria provided, multiple submitters, no conflicts (2 of 4 stars). 6 submissions from 6 submitters: Pathogenic (5). 1 of the submissions does not count toward it. Last evaluated 2026-01-19.

Conditions:
ACVRL1-related disorder. Also called: ACVRL1-related condition; ACVRL1-related disorders.
Cardiovascular phenotype. Identifiers: MedGen CN230736.
Telangiectasia, hereditary hemorrhagic, type 2 (HHT2). Also called: Telangiectasia, hereditary hemorrhagic, type II; ACVRL1-Related Hereditary Hemorrhagic Telangiectasia. Identifiers: Orphanet 774, MedGen C1838163, MONDO:0010880, OMIM 600376. Disease mechanism: loss of function.

Submissions (6):

Labcorp Genetics (formerly Invitae), Labcorp
Classification: Pathogenic for Telangiectasia, hereditary hemorrhagic, type 2. Last evaluated: 2026-01-19. Review status: criteria provided, single submitter. Criteria: Invitae Variant Classification Sherloc (09022015). Collection method: clinical testing. Allele origin: germline.
Comment: This sequence change creates a premature translational stop signal (p.Asp181Argfs*44) in the ACVRL1 gene. It is expected to result in an absent or disrupted protein product. Loss-of-function variants in ACVRL1 are known to be pathogenic (PMID: 15879500). This variant is not present in population databases (gnomAD no frequency). This premature translational stop signal has been observed in individuals with hereditary hemorrhagic telangiectasia (PMID: 16542389, 19508727, 21158752; internal data). This variant is also known as p.D181fs. ClinVar contains an entry for this variant (Variation ID: 464763). Algorithms developed to predict the effect of sequence changes on RNA splicing suggest that this variant may disrupt the consensus splice site. For these reasons, this variant has been classified as Pathogenic.

GeneDx
Classification: Pathogenic. Last evaluated: 2025-01-27. Review status: criteria provided, single submitter. Criteria: GeneDx Variant Classification Process June 2021. Collection method: clinical testing. Allele origin: germline. Affected: yes.
Comment: Frameshift variant predicted to result in protein truncation or nonsense mediated decay in a gene for which loss of function is a known mechanism of disease; Not observed at significant frequency in large population cohorts (gnomAD); This variant is associated with the following publications: (PMID: 32300199, 16542389, 21158752, 19508727)

Mayo Clinic Laboratories, Mayo Clinic
Classification: Pathogenic. Last evaluated: 2024-08-19. Review status: criteria provided, single submitter. Criteria: ACMG Guidelines, 2015. Collection method: clinical testing. Allele origin: germline. Observed: 1 variant allele.
Comment: PM2, PS4_moderate, PVS1

Ambry Genetics
Classification: Pathogenic for Cardiovascular phenotype. Last evaluated: 2021-05-10. Review status: criteria provided, single submitter. Criteria: Ambry Variant Classification Scheme 2023. Collection method: clinical testing. Allele origin: germline.
Comment: The c.540_541insA pathogenic mutation, located in coding exon 4 of the ACVRL1 gene, results from an insertion of one nucleotide at position 540, causing a translational frameshift with a predicted alternate stop codon (p.D181Rfs*44). This mutation was identified in multiple German individuals, including three individuals from one family with epistaxis and telangiectasias (Wehner LE et al. Clin. Genet., 2006 Mar;69:239-45; Sadick H et al. BMC Med. Genet., 2009 Jun;10:53). This mutation was also reported in one individual from an hereditary hemorrhagic telangiectasia (HHT) genetic testing cohort (McDonald J et al. Clin Genet, 2011 Apr;79:335-44). In addition to the clinical data presented in the literature, this alteration is expected to result in loss of function by premature protein truncation or nonsense-mediated mRNA decay. As such, this alteration is interpreted as a disease-causing mutation.

Genetic Services Laboratory, University of Chicago
Classification: Pathogenic. Last evaluated: 2018-03-27. Review status: criteria provided, single submitter. Criteria: ACMG Guidelines, 2015. Collection method: clinical testing. Allele origin: germline. Affected: yes.

PreventionGenetics, part of Exact Sciences
Classification: Pathogenic for ACVRL1-related condition. Last evaluated: 2024-05-01. Review status: no assertion criteria provided. Collection method: clinical testing. Allele origin: germline. Not counted in ClinVar's aggregate classification.
Comment: The ACVRL1 c.540_541insA variant is predicted to result in a frameshift and premature protein termination (p.Asp181Argfs*44). This variant has been reported in individuals with hereditary haemorrhagic telangiectasia (Wehner et al 2006. PubMed ID: 16542389; McDonald J et al 2020. PubMed ID: 32300199; Sadick H et al 2009. PubMed ID: 19508727). This variant has not been reported in a large population database, indicating this variant is rare. Frameshift variants in ACVRL1 are expected to be pathogenic. This variant is interpreted as pathogenic.

Literature cited by the submitters: PubMed 15879500 (cited by Labcorp Genetics (formerly Invitae), Labcorp); PubMed 16542389 (cited by 3 submitters); PubMed 19508727 (cited by 3 submitters); PubMed 21158752 (cited by 3 submitters).